The following is an entry in ClinVar:

ClinVar aggregate classification (germline): Pathogenic (1 of 4 stars; one submission).

Conditions:
Hereditary cancer-predisposing syndrome. Also called: Neoplastic Syndromes, Hereditary; Tumor predisposition; Hereditary Cancer Syndrome; Hereditary neoplastic syndrome. Identifiers: Orphanet 140162, MedGen C0027672, MeSH D009386, MONDO:0015356.

Submission:

Color Diagnostics, LLC DBA Color Health
Classification: Pathogenic for Hereditary cancer-predisposing syndrome. Last evaluated: 2020-05-14. Review status: criteria provided, single submitter. Criteria: ACMG Guidelines, 2015. Collection method: clinical testing. Allele origin: germline.
Comment: This variant replaces 3 nucleotides in exon 14 of the BRCA2 gene, creating a frameshift and premature translation stop signal. This variant is expected to result in an absent or non-functional protein product. To our knowledge, this variant has not been reported in individuals affected with hereditary cancer in the literature. This variant has not been identified in the general population by the Genome Aggregation Database (gnomAD). Loss of BRCA2 function is a known mechanism of disease. Based on the available evidence, this variant is classified as Pathogenic.

NM_000059.4(BRCA2):c.7219_7221delinsA (p.Val2407fs)

Gene: BRCA2 (BRCA2 DNA repair associated; plus strand). Cytogenetic location: 13q13.1.
Variant type: Indel.
Coding change: c.7219_7221delinsA on transcript NM_000059.4 (MANE Select); coding-DNA positions 7219 to 7221, GTT replaced by A.
Protein change: p.Val2407fs; shifts the reading frame from valine 2407.
Molecular consequence: frameshift variant.
Genome position (GRCh38, 1-based): chr13:32,355,072-32,355,074, GTT replaced by A. VCF-style: chr13-32355072-GTT-A. GRCh37 (hg19) VCF-style: chr13-32929209-GTT-A.
Other names: short protein forms V2407fs.
Identifiers: ClinVar variation 918985 (VCV000918985.3), dbSNP rs2072680227, ClinGen allele CA913188629.